The following is an entry in ClinVar:

NM_001130987.2(DYSF):c.2274_2275del (p.Tyr759fs)

Gene: DYSF (dysferlin; plus strand). Cytogenetic location: 2p13.2.
Variant type: Deletion.
Coding change: c.2274_2275del on transcript NM_001130987.2 (MANE Select); coding-DNA positions 2274 to 2275, 2 bases deleted (GT; older notation c.2274_2275delGT).
Protein change: p.Tyr759fs; shifts the reading frame from tyrosine 759.
Molecular consequence: frameshift variant.
Genome position (GRCh38, 1-based): chr2:71,561,809-71,561,810, GT deleted; deleting any 2 consecutive bases within chr2:71,561,808-71,561,810 gives the same sequence; the c. name uses the placement nearest the transcript's 3' end. VCF-style (leftmost placement, unchanged base first): chr2-71561807-CTG-C. GRCh37 (hg19) VCF-style: chr2-71788937-CTG-C.
Other names: c.2223_2224del, p.Tyr742fs (NM_001130455.2, NM_001130983.2); c.2178_2179del, p.Tyr727fs (NM_001130976.2, NM_001130977.2); c.2220_2221del, p.Tyr741fs (NM_001130978.2, NM_003494.4); c.2313_2314del, p.Tyr772fs (NM_001130979.2); c.2271_2272del, p.Tyr758fs (NM_001130980.2, NM_001130981.2); c.2316_2317del, p.Tyr773fs (NM_001130982.2); c.2181_2182del, p.Tyr728fs (NM_001130984.2, NM_001130986.2); c.2274_2275del, p.Tyr759fs (NM_001130985.2); short protein forms Y727fs, Y728fs, Y741fs, Y742fs, Y758fs, Y759fs, Y772fs, Y773fs.
Identifiers: ClinVar variation 1724316 (VCV001724316.3), dbSNP rs2545753088, ClinGen allele CA2580067849.

ClinVar aggregate classification (germline): Likely pathogenic (1 of 4 stars; one submission).

Conditions:
Autosomal recessive limb-girdle muscular dystrophy. Identifiers: Orphanet 102015, MedGen C2931907, MONDO:0015152.

Submission:

Myriad Genetics, Inc.
Classification: Likely pathogenic for Autosomal recessive limb-girdle muscular dystrophy. Last evaluated: 2022-02-05. Review status: criteria provided, single submitter. Criteria: Myriad Autosomal Dominant, Autosomal Recessive and X-Linked Classification Criteria (2023). Collection method: clinical testing. Allele origin: unknown.
Comment: NM_003494.3(DYSF):c.2220_2221delGT(Y741Pfs*12) is expected to be pathogenic in the context of dysferlinopathy. This variant is predicted to lead to an abnormal or absent protein product due to the creation of a premature termination codon in DYSF, a gene where loss-of-function variants are known to be pathogenic. Please note: this variant was assessed in the context of healthy population screening.